The following is an entry in ClinVar:

ClinVar aggregate classification (germline): Benign. Review status: criteria provided, multiple submitters, no conflicts (2 of 4 stars). 4 submissions from 4 submitters: Benign (4). Last evaluated 2026-01-28.

Conditions:
Hypogonadotropic hypogonadism 5 with or without anosmia (KAL5). Also called: HYPOGONADOTROPIC HYPOGONADISM 5 WITH ANOSMIA; HYPOGONADOTROPHIC HYPOGONADISM 5 WITHOUT ANOSMIA; CHD7-Related GnRH Deficiency (Kallmann Syndrome 5). Identifiers: Orphanet 478, MedGen C3552553, MONDO:0012880, OMIM 612370. Disease mechanism: loss of function.
CHARGE syndrome (CHARGE). Also called: CHARGE ASSOCIATION--COLOBOMA, HEART ANOMALY, CHOANAL ATRESIA, RETARDATION, GENITAL AND EAR ANOMALIES; Coloboma, heart anomaly, choanal atresia, retardation, genital and ear anomalies; CHARGE association; Hall-Hittner syndrome; Hittner Hirsch Kreh syndrome. Identifiers: Orphanet 138, MedGen C0265354, MONDO:0008965.

Allele frequency attached by ClinVar (database versions not stated): gnomAD 0.00004 and 0.00036; TOPMed 0.00008; gnomAD exomes 0.00109; 1000 Genomes Project 30x 0.00265; 1000 Genomes Project 0.00300.
gnomAD v4.1: 761 of 1,490,332 alleles (0.051%); highest among the groups gnomAD compares: South Asian, 0.86%; 16 homozygotes.

Submissions (4):

Labcorp Genetics (formerly Invitae), Labcorp
Classification: Benign for CHARGE syndrome. Last evaluated: 2026-01-28. Review status: criteria provided, single submitter. Criteria: Invitae Variant Classification Sherloc (09022015). Collection method: clinical testing. Allele origin: germline.

Blueprint Genetics
Classification: Benign. Last evaluated: 2024-11-18. Review status: criteria provided, single submitter. Criteria: ACMG Guidelines, 2015. Collection method: clinical testing. Allele origin: germline.

GeneDx
Classification: Benign. Last evaluated: 2019-12-25. Review status: criteria provided, single submitter. Criteria: GeneDx Variant Classification Process June 2021. Collection method: clinical testing. Allele origin: germline. Affected: yes.

Illumina Laboratory Services, Illumina
Classification: Benign for Kallmann Syndrome 5. Last evaluated: 2018-01-13. Review status: criteria provided, single submitter. Criteria: ICSL Variant Classification Criteria 13 December 2019. Collection method: clinical testing. Allele origin: germline.
Comment: This variant was observed in the ICSL laboratory as part of a predisposition screen in an ostensibly healthy population. It had not been previously curated by ICSL or reported in the Human Gene Mutation Database (HGMD: prior to June 1st, 2018), and was therefore a candidate for classification through an automated scoring system. Utilizing variant allele frequency, disease prevalence and penetrance estimates, and inheritance mode, an automated score was calculated to assess if this variant is too frequent to cause the disease. Based on the score and internal cut-off values, a variant classified as benign is not then subjected to further curation. The score for this variant resulted in a classification of benign for this disease.

NM_017780.4(CHD7):c.2498+12G>T

Gene: CHD7 (chromodomain helicase DNA binding protein 7; plus strand). Cytogenetic location: 8q12.2.
Variant type: single nucleotide variant.
Coding change: c.2498+12G>T on transcript NM_017780.4 (MANE Select); 12 bases into the intron after coding-DNA position 2498, G replaced by T.
Molecular consequence: intron variant.
Genome position (GRCh38, 1-based): chr8:60,808,284, G>T. VCF-style: chr8-60808284-G-T. GRCh37 (hg19) VCF-style: chr8-61720843-G-T.
Other names: c.1716+27234G>T (NM_001316690.1).
Identifiers: ClinVar variation 363453 (VCV000363453.16), dbSNP rs557099951, ClinGen allele CA4759729.